The following is an entry in ClinVar:

NM_005881.4(BCKDK):c.1071C>T (p.Gly357=)

Gene: BCKDK (branched chain keto acid dehydrogenase kinase; plus strand). Cytogenetic location: 16p11.2.
Variant type: single nucleotide variant.
Coding change: c.1071C>T on transcript NM_005881.4 (MANE Select); coding-DNA position 1071, C replaced by T.
Protein change: p.Gly357=; no amino-acid change (glycine 357 retained).
Molecular consequence: synonymous variant.
Genome position (GRCh38, 1-based): chr16:31,112,004, C>T. VCF-style: chr16-31112004-C-T. GRCh37 (hg19) VCF-style: chr16-31123325-C-T.
Other names: c.1071C>T, p.Gly357= (NM_001122957.4); c.981C>T, p.Gly327= (NM_001271926.3).
Identifiers: ClinVar variation 3045170 (VCV003045170.4), dbSNP rs531591891, ClinGen allele CA8021763.

ClinVar aggregate classification (germline): Likely benign. Review status: criteria provided, single submitter (1 of 4 stars). 2 submissions from 2 submitters: Likely benign (1). 1 of the submissions does not count toward it. Last evaluated 2024-02-12.

Conditions:
BCKDK-related disorder. Also called: BCKDK-related condition.
Branched-chain keto acid dehydrogenase kinase deficiency (BCKDKD). Also called: BCKDK DEFICIENCY. Identifiers: Orphanet 308410, MedGen C3554078, MONDO:0013970, OMIM 614923.

Allele frequency attached by ClinVar (database versions not stated): TOPMed 0.00002; gnomAD 0.00003; ExAC 0.00004.
gnomAD v4.1: 32 of 1,613,970 alleles (0.002%); highest among the groups gnomAD compares: Middle Eastern, 0.016%; no homozygotes.

Submissions (2):

Labcorp Genetics (formerly Invitae), Labcorp
Classification: Likely benign for Branched-chain keto acid dehydrogenase kinase deficiency. Last evaluated: 2024-02-12. Review status: criteria provided, single submitter. Criteria: Invitae Variant Classification Sherloc (09022015). Collection method: clinical testing. Allele origin: germline.

PreventionGenetics, part of Exact Sciences
Classification: Likely benign for BCKDK-related condition. Last evaluated: 2019-10-24. Review status: no assertion criteria provided. Collection method: clinical testing. Allele origin: germline. Not counted in ClinVar's aggregate classification.
Comment: This variant is classified as likely benign based on ACMG/AMP sequence variant interpretation guidelines (Richards et al. 2015 PMID: 25741868, with internal and published modifications).